The following is an entry in ClinVar:

NM_000284.4(PDHA1):c.899+4C>A

Gene: PDHA1 (pyruvate dehydrogenase E1 subunit alpha 1; plus strand). Cytogenetic location: Xp22.12.
Variant type: single nucleotide variant.
Coding change: c.899+4C>A on transcript NM_000284.4 (MANE Select); 4 bases into the intron after coding-DNA position 899, C replaced by A.
Molecular consequence: intron variant.
Genome position (GRCh38, 1-based): chrX:19,357,723, C>A. VCF-style: chrX-19357723-C-A. GRCh37 (hg19) VCF-style: chrX-19375841-C-A.
Other names: c.1013+4C>A (NM_001173454.2); c.920+4C>A (NM_001173455.2); c.806+4C>A (NM_001173456.2).
Identifiers: ClinVar variation 3724830 (VCV003724830.2).

ClinVar aggregate classification (germline): Uncertain significance (1 of 4 stars; one submission).

Conditions:
Pyruvate dehydrogenase E1-alpha deficiency (PDHAD). Also called: ATAXIA WITH LACTIC ACIDOSIS I; ATAXIA, INTERMITTENT, WITH ABNORMAL PYRUVATE METABOLISM; ATAXIA, INTERMITTENT, WITH PYRUVATE DEHYDROGENASE DEFICIENCY; Ataxia, intermittent, with pyruvate dehydrogenase, or decarboxylase, deficiency. Identifiers: Orphanet 79243, MedGen C1839413, MONDO:0010717, OMIM 312170.

Submission:

Labcorp Genetics (formerly Invitae), Labcorp
Classification: Uncertain significance for Pyruvate dehydrogenase E1-alpha deficiency. Last evaluated: 2025-02-24. Review status: criteria provided, single submitter. Criteria: Invitae Variant Classification Sherloc (09022015). Collection method: clinical testing. Allele origin: germline.
Comment: This sequence change falls in intron 9 of the PDHA1 gene. It does not directly change the encoded amino acid sequence of the PDHA1 protein. It affects a nucleotide within the consensus splice site. This variant is not present in population databases (gnomAD no frequency). This variant has not been reported in the literature in individuals affected with PDHA1-related conditions. Variants that disrupt the consensus splice site are a relatively common cause of aberrant splicing (PMID: 17576681, 9536098). Algorithms developed to predict the effect of sequence changes on RNA splicing suggest that this variant is not likely to affect RNA splicing. In summary, the available evidence is currently insufficient to determine the role of this variant in disease. Therefore, it has been classified as a Variant of Uncertain Significance.

Literature cited by the submitters: PubMed 17576681; PubMed 9536098.